The following is an entry in ClinVar:

NM_130384.3(ATRIP):c.1876C>T (p.His626Tyr)

Genes: ATRIP (ATR interacting protein; plus strand), ATRIP-TREX1 (ATRIP-TREX1 readthrough; plus strand). Cytogenetic location: 3p21.31.
Variant type: single nucleotide variant.
Coding change: c.1876C>T on transcript NM_130384.3 (MANE Select); coding-DNA position 1876, C replaced by T.
Protein change: p.His626Tyr; replaces histidine 626 with tyrosine.
Molecular consequence: missense variant. On other transcripts: non-coding transcript variant (1).
Genome position (GRCh38, 1-based): chr3:48,463,875, C>T. VCF-style: chr3-48463875-C-T. GRCh37 (hg19) VCF-style: chr3-48505274-C-T.
Other names: c.1495C>T, p.His499Tyr (NM_001271022.2); c.1597C>T, p.His533Tyr (NM_001271023.2); c.1876C>T, p.His626Tyr (NM_032166.4); short protein forms H499Y, H533Y, H626Y.
Identifiers: ClinVar variation 4644541 (VCV004644541.1).

ClinVar aggregate classification (germline): Uncertain significance (1 of 4 stars; one submission).

Submission:

Ambry Genetics
Classification: Uncertain significance. Last evaluated: 2025-10-14. Review status: criteria provided, single submitter. Criteria: Ambry Variant Classification Scheme 2023. Collection method: clinical testing. Allele origin: germline.
Comment: The p.H626Y variant (also known as c.1876C>T), located in coding exon 9 of the ATRIP gene, results from a C to T substitution at nucleotide position 1876. The histidine at codon 626 is replaced by tyrosine, an amino acid with similar properties. This amino acid position is conserved. In addition, this alteration is predicted to be tolerated by in silico analysis. Based on the available evidence, the clinical significance of this variant remains unclear.